The following is an entry in ClinVar:

NM_000540.3(RYR1):c.5107C>T (p.Pro1703Ser)

Gene: RYR1 (ryanodine receptor 1; plus strand). Cytogenetic location: 19q13.2.
Variant type: single nucleotide variant.
Coding change: c.5107C>T on transcript NM_000540.3 (MANE Select); coding-DNA position 5107, C replaced by T.
Protein change: p.Pro1703Ser; replaces proline 1703 with serine.
Molecular consequence: missense variant.
Genome position (GRCh38, 1-based): chr19:38,485,762, C>T. VCF-style: chr19-38485762-C-T. GRCh37 (hg19) VCF-style: chr19-38976402-C-T.
Other names: c.5107C>T, p.Pro1703Ser (NM_001042723.2); short protein forms P1703S.
Identifiers: ClinVar variation 2435625 (VCV002435625.7), dbSNP rs1334710181, ClinGen allele CA405653792.
Genomic context (GRCh38, chr19:38,485,762, plus strand): 5'-GCTCTGTGCAGCCACGTAGACCAAGCTCAGCTGCTGCACGCCCTGGAGGACGCGCACCTG[C>T]CAGGCCCACTGCGCGCAGGCTACTATGACCTCCTCATCAGCATCCACCTCGAAAGTGCCT-3'
Protein context (NP_000531.2, residues 1693-1713): LLHALEDAHL[Pro1703Ser]GPLRAGYYDL

ClinVar aggregate classification (germline): Uncertain significance. Review status: criteria provided, multiple submitters, no conflicts (2 of 4 stars). 4 submissions from 4 submitters: Uncertain significance (4). Last evaluated 2025-07-14.

Conditions:
Malignant hyperthermia, susceptibility to, 1 (MHS1). Also called: Anesthesia related hyperthermia; Malignant hyperpyrexia; Fulminating hyperpyrexia; Pharmacogenic myopathy; Malignant hyperthermia suceptibility 1; RYR1-Related Malignant Hyperthermia Susceptibility. Identifiers: Orphanet 423, MedGen C2930980, MONDO:0007783, OMIM 145600.
Inborn genetic diseases. Identifiers: MedGen C0950123, MeSH D030342.
RYR1-related disorder. Also called: RYR1-related disorders; RYR1-related condition. Identifiers: MedGen CN239331.

Allele frequency attached by ClinVar (database versions not stated): gnomAD 0.00001; TOPMed 0.00001; gnomAD exomes 0.00002.
gnomAD v4.1: 31 of 1,613,038 alleles (0.0019%); highest among the groups gnomAD compares: Non-Finnish European, 0.0023%; no homozygotes.

Submissions (4):

Color Diagnostics, LLC DBA Color Health
Classification: Uncertain significance for Malignant hyperthermia, susceptibility to, 1. Last evaluated: 2025-07-14. Review status: criteria provided, single submitter. Criteria: ACMG Guidelines, 2015. Collection method: clinical testing. Allele origin: germline.
Comment: This missense variant replaces proline with serine at codon 1703 of the RYR1 protein. Computational prediction suggests that this variant may not impact protein structure and function. To our knowledge, functional studies have not been reported for this variant. This variant has not been reported in individuals affected with RYR1-related disorders in the literature. This variant has been identified in 2/247130 chromosomes in the general population by the Genome Aggregation Database (gnomAD). The available evidence is insufficient to determine the role of this variant in disease conclusively. Therefore, this variant is classified as a Variant of Uncertain Significance.

Ambry Genetics
Classification: Uncertain significance for Inborn genetic diseases. Last evaluated: 2025-01-08. Review status: criteria provided, single submitter. Criteria: Ambry Variant Classification Scheme 2023. Collection method: clinical testing. Allele origin: germline.

Labcorp Genetics (formerly Invitae), Labcorp
Classification: Uncertain significance for RYR1-related disorder. Last evaluated: 2024-01-09. Review status: criteria provided, single submitter. Criteria: Invitae Variant Classification Sherloc (09022015). Collection method: clinical testing. Allele origin: germline.
Comment: This sequence change replaces proline, which is neutral and non-polar, with serine, which is neutral and polar, at codon 1703 of the RYR1 protein (p.Pro1703Ser). The frequency data for this variant in the population databases is considered unreliable, as metrics indicate poor data quality at this position in the gnomAD database. This variant has not been reported in the literature in individuals affected with RYR1-related conditions. ClinVar contains an entry for this variant (Variation ID: 2435625). Advanced modeling of protein sequence and biophysical properties (such as structural, functional, and spatial information, amino acid conservation, physicochemical variation, residue mobility, and thermodynamic stability) performed at Invitae indicates that this missense variant is not expected to disrupt RYR1 protein function with a negative predictive value of 95%. In summary, the available evidence is currently insufficient to determine the role of this variant in disease. Therefore, it has been classified as a Variant of Uncertain Significance.

Revvity Omics, Revvity
Classification: Uncertain significance. Last evaluated: 2022-03-14. Review status: criteria provided, single submitter. Criteria: ACMG Guidelines, 2015. Collection method: clinical testing. Allele origin: germline.